The following is an entry in ClinVar:

NM_033409.4(SLC52A3):c.311A>G (p.His104Arg)

Gene: SLC52A3 (solute carrier family 52 member 3; minus strand). Cytogenetic location: 20p13.
Variant type: single nucleotide variant.
Coding change: c.311A>G on transcript NM_033409.4 (MANE Select); coding-DNA position 311, A replaced by G.
Protein change: p.His104Arg; replaces histidine 104 with arginine.
Molecular consequence: missense variant.
Genome position (GRCh38, 1-based): chr20:765,464, T>C on the plus strand (A>G on the coding strand, the complement: SLC52A3 is on the minus strand). VCF-style: chr20-765464-T-C. GRCh37 (hg19) VCF-style: chr20-746108-T-C.
Other names: c.311A>G, p.His104Arg (NM_001370085.1, NM_001370086.1); short protein forms H104R.
Identifiers: ClinVar variation 857936 (VCV000857936.11), dbSNP rs201152444, ClinGen allele CA9724800.

ClinVar aggregate classification (germline): Uncertain significance. Review status: criteria provided, multiple submitters, no conflicts (2 of 4 stars). 2 submissions from 2 submitters: Uncertain significance (2). Last evaluated 2023-12-20.

Conditions:
Brown-Vialetto-van Laere syndrome 1. Also called: BROWN-VIALETTO-VAN LAERE SYNDROME 1, MILD; BULBAR PALSY, PROGRESSIVE, WITH SENSORINEURAL DEAFNESS; PONTOBULBAR PALSY WITH DEAFNESS. Identifiers: Orphanet 572550, Orphanet 97229, MedGen C0796274, MONDO:0024537, OMIM 211530.
Inborn genetic diseases. Identifiers: MedGen C0950123, MeSH D030342.

Allele frequency attached by ClinVar (database versions not stated): ExAC 0.00003; 1000 Genomes Project 30x 0.00016; gnomAD 0.00001; gnomAD exomes 0.00001; 1000 Genomes Project 0.00020.
gnomAD v4.1: 5 of 1,606,818 alleles (0.00031%); highest among the groups gnomAD compares: East Asian, 0.009%; no homozygotes.

Submissions (2):

Ambry Genetics
Classification: Uncertain significance for Inborn genetic diseases. Last evaluated: 2023-12-20. Review status: criteria provided, single submitter. Criteria: Ambry Variant Classification Scheme 2023. Collection method: clinical testing. Allele origin: germline.

Labcorp Genetics (formerly Invitae), Labcorp
Classification: Uncertain significance for Brown-Vialetto-van Laere syndrome 1. Last evaluated: 2019-11-17. Review status: criteria provided, single submitter. Criteria: Invitae Variant Classification Sherloc (09022015). Collection method: clinical testing. Allele origin: germline.
Comment: This sequence change replaces histidine with arginine at codon 104 of the SLC52A3 protein (p.His104Arg). The histidine residue is moderately conserved and there is a small physicochemical difference between histidine and arginine. This variant is present in population databases (rs201152444, ExAC 0.02%). This variant has not been reported in the literature in individuals with SLC52A3-related conditions. Algorithms developed to predict the effect of missense changes on protein structure and function output the following: SIFT: "Tolerated"; PolyPhen-2: "Benign"; Align-GVGD: "Class C0". The arginine amino acid residue is found in multiple mammalian species, suggesting that this missense change does not adversely affect protein function. These predictions have not been confirmed by published functional studies and their clinical significance is uncertain. In summary, the available evidence is currently insufficient to determine the role of this variant in disease. Therefore, it has been classified as a Variant of Uncertain Significance.